The following is an entry in ClinVar:

ClinVar aggregate classification (germline): Conflicting classifications of pathogenicity. Review status: criteria provided, conflicting classifications (1 of 4 stars). 16 submissions from 14 submitters: Uncertain significance (8); Benign (2); Likely benign (4). 2 of the submissions do not count toward it. Last evaluated 2026-01-27.

Conditions:
SDHA-related disorder. Also called: SDHA-related condition; SDHA-related disorders.
Pheochromocytoma/paraganglioma syndrome 5. Also called: Paragangliomas 5; SDHA-Related Hereditary Paraganglioma-Pheochromocytoma Syndrome. Identifiers: Orphanet 29072, MedGen C3279992, MONDO:0013602, OMIM 614165.
Mitochondrial complex II deficiency, nuclear type 1. Also called: SUCCINATE CoQ REDUCTASE DEFICIENCY. Identifiers: Orphanet 3208, MedGen C5700310, MONDO:0100294, OMIM 252011.
Hereditary pheochromocytoma and paraganglioma. Also called: Hereditary Paraganglioma-Pheochromocytoma Syndromes; Hereditary paragangliomas and pheochromocytomas; Hereditary pheochromocytoma-paraganglioma. Identifiers: Orphanet 29072, MedGen C4274332, MONDO:0017366.
Hereditary cancer-predisposing syndrome. Also called: Tumor predisposition; Hereditary Cancer Syndrome; Neoplastic Syndromes, Hereditary; Hereditary neoplastic syndrome. Identifiers: Orphanet 140162, MedGen C0027672, MeSH D009386, MONDO:0015356.
Leigh syndrome (NULS). Also called: Leigh's necrotizing encephalopathy; Leigh's disease; Leigh's syndrome; Subacute necrotizing encephalopathy; Necrotizing encephalopathy infantile subacute of Leigh; LEIGH SYNDROME, NUCLEAR. Identifiers: Orphanet 506, MedGen C2931891, MONDO:0009723, OMIM 256000.

Allele frequency attached by ClinVar (database versions not stated): ESP Exome Variant Server 0.00008; ExAC 0.00012; gnomAD exomes 0.00012 and 0.00017; gnomAD 0.00013 and 0.00017; TOPMed 0.00014; 1000 Genomes Project 0.00100; 1000 Genomes Project 30x 0.00109.
gnomAD v4.1: 281 of 1,613,220 alleles (0.017%); highest among the groups gnomAD compares: Admixed American, 0.042%; no homozygotes.

Submissions (16):

Labcorp Genetics (formerly Invitae), Labcorp
Classification: Likely benign for Pheochromocytoma/paraganglioma syndrome 5; Mitochondrial complex II deficiency, nuclear type 1. Last evaluated: 2026-01-27. Review status: criteria provided, single submitter. Criteria: Invitae Variant Classification Sherloc (09022015). Collection method: clinical testing. Allele origin: germline.

Quest Diagnostics Nichols Institute San Juan Capistrano
Classification: Uncertain significance. Last evaluated: 2025-10-02. Review status: criteria provided, single submitter. Criteria: Quest Diagnostics criteria. Collection method: clinical testing. Allele origin: unknown.
Comment: The SDHA c.1979C>G (p.Ala660Gly) variant has been reported in the published literature in an individual with adrenal pheochromocytoma (PMID: 28384794 (2017)). Assessment of experimental evidence regarding the effect of this variant on protein function suggests it has no effect relevant to disease (PMID: 39321216 (2024)). The frequency of this variant in the general population (Genome Aggregation Database) is uninformative in the assessment of its pathogenicity. Analysis of this variant using bioinformatics tools for the prediction of the effect of amino acid changes on protein structure and function yielded predictions that this variant is deleterious or benign. Based on the available information, we are unable to determine the clinical significance of this variant.

Mayo Clinic Laboratories, Mayo Clinic
Classification: Uncertain significance. Last evaluated: 2025-08-22. Review status: criteria provided, single submitter. Criteria: ACMG Guidelines, 2015. Collection method: clinical testing. Allele origin: germline. Observed: 3 variant alleles.

GeneDx
Classification: Uncertain significance. Last evaluated: 2025-06-26. Review status: criteria provided, single submitter. Criteria: GeneDx Variant Classification Process June 2021. Collection method: clinical testing. Allele origin: germline. Affected: yes.
Comment: In silico analysis suggests that this missense variant does not alter protein structure/function; Reported in an individual with a paraganglioma (PMID: 28384794); This variant is associated with the following publications: (PMID: 28384794, 29978154)

PreventionGenetics, part of Exact Sciences
Classification: Likely benign for SDHA-related condition. Last evaluated: 2024-11-22. Review status: criteria provided, single submitter. Criteria: ACMG Guidelines, 2015. Collection method: clinical testing. Allele origin: germline.
Comment: This variant is classified as likely benign based on ACMG/AMP sequence variant interpretation guidelines (Richards et al. 2015 PMID: 25741868, with internal and published modifications).

ARUP Laboratories, Molecular Genetics and Genomics, ARUP Laboratories
Classification: Uncertain significance. Last evaluated: 2024-04-01. Review status: criteria provided, single submitter. Criteria: ARUP Molecular Germline Variant Investigation Process 2024. Collection method: clinical testing. Allele origin: germline.
Comment: The SDHA c.1979C>G; p.Ala660Gly variant (rs191412461) is reported in the literature in an individual affected with an adrenal pheochromocytoma (Bausch 2017). This variant is reported in ClinVar (Variation ID: 239660). This variant is found in the general population with an overall allele frequency of 0.012% (35/282,590 alleles) in the Genome Aggregation Database (v2.1.1). Computational analyses are uncertain whether this variant is neutral or deleterious (REVEL: 0.59). Due to limited information, the clinical significance of this variant is uncertain at this time. References: Bausch B et al. Clinical Characterization of the Pheochromocytoma and Paraganglioma Susceptibility Genes SDHA, TMEM127, MAX, and SDHAF2 for Gene-Informed Prevention. JAMA Oncol. 2017 Sep 1;3(9):1204-1212. PMID: 28384794.

CeGaT Center for Human Genetics Tuebingen
Classification: Uncertain significance. Last evaluated: 2023-05-01. Review status: criteria provided, single submitter. Criteria: CeGaT Center For Human Genetics Tuebingen Variant Classification Criteria Version 2. Collection method: clinical testing. Allele origin: germline. Affected: yes. Observed: 2 variant alleles.

Myriad Genetics, Inc.
Classification: Likely benign for Pheochromocytoma/paraganglioma syndrome 5. Last evaluated: 2023-04-21. Review status: criteria provided, single submitter. Criteria: Myriad Autosomal Dominant, Autosomal Recessive and X-Linked Classification Criteria (2023). Collection method: clinical testing. Allele origin: unknown.
Comment: This variant is considered likely benign. This variant has been observed at a population frequency that is significantly greater than expected given the associated disease prevalence and penetrance.

Sema4
Classification: Likely benign for Hereditary cancer-predisposing syndrome. Last evaluated: 2021-09-27. Review status: criteria provided, single submitter. Criteria: Sema4 Curation Guidelines. Collection method: curation. Allele origin: germline.

Revvity Omics, Revvity
Classification: Uncertain significance. Last evaluated: 2019-07-17. Review status: criteria provided, single submitter. Criteria: ACMG Guidelines, 2015. Collection method: clinical testing. Allele origin: germline.

Illumina Laboratory Services, Illumina
Classification: Benign for Hereditary Paraganglioma-Pheochromocytoma Syndromes. Last evaluated: 2017-05-16. Review status: criteria provided, single submitter. Criteria: ICSL Variant Classification Criteria 13 December 2019. Collection method: clinical testing. Allele origin: germline.
Comment: This variant was observed as part of a predisposition screen in an ostensibly healthy population. A literature search was performed for the gene, cDNA change, and amino acid change (where applicable). No publications were found based on this search. Allele frequency data from public databases was too high to be consistent with this variant causing disease. Therefore, this variant is classified as benign.

Illumina Laboratory Services, Illumina
Classification: Uncertain significance for Leigh syndrome. Last evaluated: 2017-04-27. Review status: criteria provided, single submitter. Criteria: ICSL Variant Classification Criteria 13 December 2019. Collection method: clinical testing. Allele origin: germline.

Illumina Laboratory Services, Illumina
Classification: Uncertain significance for Mitochondrial complex II deficiency, nuclear type 1. Last evaluated: 2017-04-27. Review status: criteria provided, single submitter. Criteria: ICSL Variant Classification Criteria 13 December 2019. Collection method: clinical testing. Allele origin: germline.

Ambry Genetics
Classification: Benign for Hereditary cancer-predisposing syndrome. Last evaluated: 2014-11-17. Review status: criteria provided, single submitter. Criteria: Ambry Variant Classification Scheme 2023. Collection method: clinical testing. Allele origin: germline.

Counsyl
Classification: Uncertain significance for Pheochromocytoma/paraganglioma syndrome 5. Last evaluated: 2016-04-18. Review status: no assertion criteria provided. Collection method: clinical testing. Allele origin: unknown. Not counted in ClinVar's aggregate classification.

Department of Pathology and Laboratory Medicine, Sinai Health System
Classification: Uncertain significance. Review status: no assertion criteria provided. Collection method: clinical testing. Allele origin: unknown. Affected: yes. Study: The Canadian Open Genetics Repository (COGR). Not counted in ClinVar's aggregate classification.
Comment: The SDHA p.Ala579Gly variant was identified in dbSNP (ID: rs191412461), Clinvitae, LOVD 3.0 and ClinVar (reported as a variant of uncertain significance by Invitae and Counsyl and benign by Ambry Genetics) but was not found in Cosmic. The variant was identified in control databases in 35 of 282590 chromosomes at a frequency of 0.000124 (Genome Aggregation Database Feb 27, 2017). The variant was observed in the following populations: Latino in 10 of 35440 chromosomes (freq: 0.000282), European (non-Finnish) in 23 of 128896 chromosomes (freq: 0.000178), Other in 1 of 7220 chromosomes (freq: 0.000139) and African in 1 of 24970 chromosomes (freq: 0.00004), but was not observed in the Ashkenazi Jewish, East Asian, European (Finnish), and South Asian populations. This variant was identified in 1/972 heterozygous patients from the European-American-Asian Pheochromocytoma-Paraganglioma Registry (Bausch_2017_PMID: 28384794). The p.Ala579 residue is conserved in mammals but not in more distantly related organisms and computational analyses (PolyPhen-2, SIFT, AlignGVGD, BLOSUM, and MutationTaster) provide inconsistent predictions regarding the impact to the protein; this information is not very predictive of pathogenicity. In summary, based on the above information the clinical significance of this variant cannot be determined with certainty at this time. This variant is classified as a variant of uncertain significance.

Literature cited by the submitters: PubMed 39321216 (cited by Quest Diagnostics Nichols Institute San Juan Capistrano); PubMed 28384794 (cited by Quest Diagnostics Nichols Institute San Juan Capistrano and Mayo Clinic Laboratories, Mayo Clinic); PubMed 29978154 (cited by Quest Diagnostics Nichols Institute San Juan Capistrano).

NM_004168.4(SDHA):c.1979C>G (p.Ala660Gly)

Gene: SDHA (succinate dehydrogenase complex flavoprotein subunit A; plus strand). Cytogenetic location: 5p15.33.
Variant type: single nucleotide variant.
Coding change: c.1979C>G on transcript NM_004168.4 (MANE Select); coding-DNA position 1979, C replaced by G.
Protein change: p.Ala660Gly; replaces alanine 660 with glycine.
Molecular consequence: missense variant.
Genome position (GRCh38, 1-based): chr5:256,404, C>G. VCF-style: chr5-256404-C-G. GRCh37 (hg19) VCF-style: chr5-256519-C-G.
Other names: p.Ala660Gly; c.1835C>G, p.Ala612Gly (NM_001294332.2); c.1736C>G, p.Ala579Gly (NM_001330758.2); short protein forms A660G, A579G, A612G.
Identifiers: ClinVar variation 239660 (VCV000239660.76), dbSNP rs191412461, ClinGen allele CA3173479.